The following is an entry in ClinVar:

NM_004409.5(DMPK):c.*224CTG[71]

Genes: DM1-AS (DM1 locus antisense RNA; plus strand), DMPK (DM1 protein kinase; minus strand), LOC107075317 (origin of replication in DMPK trinucleotide repeat region; plus strand), LOC109461477 (dystrophia myotonica protein kinase repeat instability region; plus strand). Cytogenetic location: 19q13.32.
Variant type: Microsatellite.
Coding change: c.*224CTG[71] on transcript NM_004409.5 (MANE Select); 71 copies in a row of the 3-base unit CTG starting at c.*224.
Molecular consequence: 3 prime UTR variant.
Genome position: GRCh38, VCF-style position (the base before the change): chr19:45,770,204. GRCh37 (hg19), VCF-style position (the base before the change): chr19:46,273,462.
Other names: DM1 CTG repeat expansion; c.*224CTG[71] (NM_001081560.3, NM_001288764.2, NM_001424165.1 and 1 more transcripts); c.*217CTG[71] (NM_001081562.3, NM_001288765.2, NM_001424162.1 and 2 more transcripts); c.*222_*224TGC[71] (NM_001081563.3); c.*369CTG[71] (NM_001288766.2, NM_001424164.1, NM_001424168.1).
Identifiers: ClinVar variation 188023 (VCV000188023.3), ClinGen allele CA915951852.

ClinVar aggregate classification (germline): Pathogenic. Review status: criteria provided, single submitter (1 of 4 stars). 2 submissions from 2 submitters: Pathogenic (1). 1 of the submissions does not count toward it. Last evaluated 2019-11-26.

Conditions:
Steinert myotonic dystrophy syndrome (DM1). Also called: STEINERT DISEASE; Myotonic dystrophy type 1; Dystrophia myotonica type 1; Steinert myotonic dystrophy; Steinert's disease. Identifiers: Orphanet 273, MedGen C3250443, MONDO:0008056, OMIM 160900.

Submissions (2):

Neuromuscular Research, Maastricht University Medical Centre
Classification: Pathogenic for Steinert myotonic dystrophy syndrome. Last evaluated: 2019-11-26. Review status: criteria provided, single submitter. Criteria: Best practice guidelines on molecular diagnosis DM1 and DM2, Kamsteeg et al. 2012. Collection method: clinical testing. Allele origin: maternal. Affected: yes.

Institute of Molecular, Cell and Systems Biology, University of Glasgow
Classification: Pathogenic for Steinert myotonic dystrophy syndrome. Review status: no assertion criteria provided. Criteria: research. Collection method: research. Allele origin: germline. Inheritance: Autosomal dominant inheritance. Affected: no. Observed: 1 heterozygote. Not counted in ClinVar's aggregate classification.
Comment: DMPK CTG repeat expansions greater than approximately 45-50 repeats are assumed to be pathogenic

This record is based on data published in PubMed 25052313, which reports only ClinVar accessions SCV000120188 and SCV000120189. The complete data set includes SCV000207445 - SCV000207579.

Literature cited by the submitters: PubMed 32203199 (cited by Neuromuscular Research, Maastricht University Medical Centre); PubMed 1346923 (cited by Institute of Molecular, Cell and Systems Biology, University of Glasgow); PubMed 1546326 (cited by Institute of Molecular, Cell and Systems Biology, University of Glasgow); PubMed 25052313 (cited by Institute of Molecular, Cell and Systems Biology, University of Glasgow).